The following is an entry in ClinVar:

NM_001378743.1(CYLD):c.1363C>T (p.Gln455Ter)

Gene: CYLD (CYLD lysine 63 deubiquitinase; plus strand). Cytogenetic location: 16q12.1.
Variant type: single nucleotide variant.
Coding change: c.1363C>T on transcript NM_001378743.1 (MANE Select); coding-DNA position 1363, C replaced by T.
Protein change: p.Gln455Ter; replaces glutamine 455 with a stop codon.
Molecular consequence: nonsense. On other transcripts: non-coding transcript variant (1).
Genome position (GRCh38, 1-based): chr16:50,779,889, C>T. VCF-style: chr16-50779889-C-T. GRCh37 (hg19) VCF-style: chr16-50813800-C-T.
Other names: c.1354C>T, p.Gln452Ter (NM_001042355.2, NM_001042412.3, NM_001378744.1 and 6 more transcripts); c.1324C>T, p.Gln442Ter (NM_001378751.1, NM_001378752.1, NM_001378753.1); c.688C>T, p.Gln230Ter (NM_001378754.1, NM_001378755.1); c.1363C>T, p.Gln455Ter (NM_015247.3); short protein forms Q455*, Q452*, Q230*, Q442*.
Identifiers: ClinVar variation 267234 (VCV000267234.1), dbSNP rs886040873, ClinGen allele CA10590071.

ClinVar aggregate classification (germline): Pathogenic (1 of 4 stars; one submission).

Conditions:
Familial cylindromatosis. Also called: ANCELL-SPIEGLER CYLINDROMAS; Turban tumor syndrome. Identifiers: Orphanet 211, Orphanet 79493, MedGen C1851526, MONDO:0007565, OMIM 132700.

Submission:

Genomic Diagnostic Laboratory, Division of Genomic Diagnostics, Children's Hospital of Philadelphia
Classification: Pathogenic for Cylindromatosis, familial. Last evaluated: 2016-09-23. Review status: criteria provided, single submitter. Criteria: DGD Variant Analysis Guidelines. Collection method: clinical testing. Allele origin: germline. Affected: yes. Observed: 1 variant allele.
Comment: Clinical Testing